The following is an entry in ClinVar:

NM_000321.3(RB1):c.1381C>T (p.Leu461Phe)

Gene: RB1 (RB transcriptional corepressor 1; plus strand). Cytogenetic location: 13q14.2.
Variant type: single nucleotide variant.
Coding change: c.1381C>T on transcript NM_000321.3 (MANE Select); coding-DNA position 1381, C replaced by T.
Protein change: p.Leu461Phe; replaces leucine 461 with phenylalanine.
Molecular consequence: missense variant.
Genome position (GRCh38, 1-based): chr13:48,379,642, C>T. VCF-style: chr13-48379642-C-T. GRCh37 (hg19) VCF-style: chr13-48953778-C-T.
Other names: c.1381C>T, p.Leu461Phe (NM_001407165.1, NM_001407166.1); short protein forms L461F.
Identifiers: ClinVar variation 3787289 (VCV003787289.1).
Genomic context (GRCh38, chr13:48,379,642, plus strand): 5'-GTTTGTTTGTAGCGATACAAACTTGGAGTTCGCTTGTATTACCGAGTAATGGAATCCATG[C>T]TTAAATCAGTAAGTTAAAAACAATATAAAAAAATTTCAGCCGGGCGCGGTGGCTCACGCC-3'
Protein context (NP_000312.2, residues 451-471): RLYYRVMESM[Leu461Phe]KSEEERLSIQ

ClinVar aggregate classification (germline): Uncertain significance (1 of 4 stars; one submission).

Conditions:
Hereditary cancer-predisposing syndrome. Also called: Neoplastic Syndromes, Hereditary; Hereditary Cancer Syndrome; Tumor predisposition; Hereditary neoplastic syndrome. Identifiers: Orphanet 140162, MedGen C0027672, MeSH D009386, MONDO:0015356.

Submission:

Ambry Genetics
Classification: Uncertain significance for Hereditary cancer-predisposing syndrome. Last evaluated: 2025-02-15. Review status: criteria provided, single submitter. Criteria: Ambry Variant Classification Scheme 2023. Collection method: clinical testing. Allele origin: germline.
Comment: The p.L461F variant (also known as c.1381C>T), located in coding exon 14 of the RB1 gene, results from a C to T substitution at nucleotide position 1381. The leucine at codon 461 is replaced by phenylalanine, an amino acid with highly similar properties. This amino acid position is conserved. In addition, this alteration is predicted to be deleterious by in silico analysis. Based on the available evidence, the clinical significance of this variant remains unclear.